The following is an entry in ClinVar:

NM_002661.5(PLCG2):c.594C>G (p.Ser198Arg)

Gene: PLCG2 (phospholipase C gamma 2; plus strand). Cytogenetic location: 16q23.3.
Variant type: single nucleotide variant.
Coding change: c.594C>G on transcript NM_002661.5 (MANE Select); coding-DNA position 594, C replaced by G.
Protein change: p.Ser198Arg; replaces serine 198 with arginine.
Molecular consequence: missense variant.
Genome position (GRCh38, 1-based): chr16:81,870,881, C>G. VCF-style: chr16-81870881-C-G. GRCh37 (hg19) VCF-style: chr16-81904486-C-G.
Other names: short protein forms S198R.
Identifiers: ClinVar variation 972521 (VCV000972521.36), dbSNP rs368738612, ClinGen allele CA8193310.

ClinVar aggregate classification (germline): Uncertain significance. Review status: criteria provided, multiple submitters, no conflicts (2 of 4 stars). 5 submissions from 5 submitters: Uncertain significance (3). 2 of the submissions do not count toward it. Last evaluated 2026-07-01.

Conditions:
Familial cold autoinflammatory syndrome 3 (FCAS3). Also called: ANTIBODY DEFICIENCY AND IMMUNE DYSREGULATION, PLCG2-ASSOCIATED; FAMILIAL ATYPICAL COLD URTICARIA. Identifiers: Orphanet 300359, MedGen C3280914, MONDO:0013766, OMIM 614468.
Autoinflammation-PLCG2-associated antibody deficiency-immune dysregulation. Also called: Autoinflammation, antibody deficiency, and immune dysregulation, plcg2-associated; AUTOINFLAMMATION, ANTIBODY DEFICIENCY, AND IMMUNE DYSREGULATION; Autoinflammation, antibody deficiency, and immune dysregulation syndrome. Identifiers: Orphanet 324530, MedGen C3553961, MONDO:0013944, OMIM 614878.

Allele frequency attached by ClinVar (database versions not stated): gnomAD 0.00004; TOPMed 0.00004; ESP Exome Variant Server 0.00008; gnomAD exomes 0.00005 and 0.00006; ExAC 0.00008.
gnomAD v4.1: 71 of 1,603,750 alleles (0.0044%); highest among the groups gnomAD compares: Non-Finnish European, 0.0058%; no homozygotes.

Submissions (5):

CeGaT Center for Human Genetics Tuebingen
Classification: Uncertain significance. Last evaluated: 2026-07-01. Review status: criteria provided, single submitter. Criteria: CeGaT Center For Human Genetics Tuebingen Variant Classification Criteria Version 2. Collection method: clinical testing. Allele origin: germline. Affected: yes. Observed: 2 variant alleles.

Labcorp Genetics (formerly Invitae), Labcorp
Classification: Uncertain significance for Familial cold autoinflammatory syndrome 3. Last evaluated: 2026-01-21. Review status: criteria provided, single submitter. Criteria: Invitae Variant Classification Sherloc (09022015). Collection method: clinical testing. Allele origin: germline.
Comment: This sequence change replaces serine, which is neutral and polar, with arginine, which is basic and polar, at codon 198 of the PLCG2 protein (p.Ser198Arg). This variant is present in population databases (rs368738612, gnomAD 0.01%). This variant has not been reported in the literature in individuals affected with PLCG2-related conditions. ClinVar contains an entry for this variant (Variation ID: 972521). An algorithm developed to predict the effect of missense changes on protein structure and function (PolyPhen-2) suggests that this variant is likely to be disruptive. In summary, the available evidence is currently insufficient to determine the role of this variant in disease. Therefore, it has been classified as a Variant of Uncertain Significance.

Fulgent Genetics
Classification: Uncertain significance for Familial cold autoinflammatory syndrome 3; Autoinflammation-PLCG2-associated antibody deficiency-immune dysregulation. Last evaluated: 2022-04-27. Review status: criteria provided, single submitter. Criteria: ACMG Guidelines, 2015. Collection method: clinical testing. Allele origin: unknown.

Clinical Genetics DNA and cytogenetics Diagnostics Lab, Erasmus MC, Erasmus Medical Center
Classification: Uncertain significance. Review status: no assertion criteria provided. Collection method: clinical testing. Allele origin: germline. Affected: yes. Study: VKGL Data-share Consensus. Not counted in ClinVar's aggregate classification.

Diagnostic Laboratory, Department of Genetics, University Medical Center Groningen
Classification: Uncertain significance. Review status: no assertion criteria provided. Collection method: clinical testing. Allele origin: germline. Affected: yes. Study: VKGL Data-share Consensus. Not counted in ClinVar's aggregate classification.